The following is an entry in ClinVar:

NC_000018.9:g.(?_56018213)_(56063501_?)dup

Gene: NEDD4L (NEDD4 like E3 ubiquitin protein ligase; plus strand). Cytogenetic location: 18q21.31.
Variant type: Duplication.
Identifiers: ClinVar variation 1036445 (VCV001036445.1).

ClinVar aggregate classification (germline): Uncertain significance (1 of 4 stars; one submission).

Submission:

Labcorp Genetics (formerly Invitae), Labcorp
Classification: Uncertain significance. Last evaluated: 2020-10-24. Review status: criteria provided, single submitter. Criteria: Invitae Variant Classification Sherloc (09022015). Collection method: clinical testing. Allele origin: germline.
Comment: This variant results in a copy number gain of the genomic region encompassing exons 17-30 of the NEDD4L gene. The 5' boundary is likely confined to intron 16. The 3' end of this event is unknown as it extends beyond the assayed region for this gene and therefore may encompass additional genes. As the precise location of this event is unknown, it may be in tandem or it may be located elsewhere in the genome. This variant has not been reported in the literature in individuals with NEDD4L-related disease. Experimental studies are not available for this variant, and the functional significance of a copy number gain of these exons is currently unknown. In summary, the available evidence is currently insufficient to determine the role of this variant in disease. Therefore, it has been classified as a Variant of Uncertain Significance.